The following is an entry in ClinVar:

NM_012123.4(MTO1):c.1260+188dup

Gene: MTO1 (mitochondrial tRNA translation optimization 1; plus strand). Cytogenetic location: 6q13.
Variant type: Duplication.
Coding change: c.1260+188dup on transcript NM_012123.4 (MANE Select); 188 bases into the intron after coding-DNA position 1260, one base duplicated (T; older notation c.1260+188dupT).
Molecular consequence: intron variant.
Genome position (GRCh38, 1-based): chr6:73,480,993, T duplicated; the last of 24 consecutive T bases (chr6:73,480,970-73,480,993); duplicating any one gives the same sequence. VCF-style (leftmost placement, unchanged base first): chr6-73480969-G-GT. GRCh37 (hg19) VCF-style: chr6-74190692-G-GT.
Other names: c.1335+188dup (NM_133645.3); c.1261-4dup (NM_001123226.2).
Identifiers: ClinVar variation 4982985 (VCV004982985.1).

ClinVar aggregate classification (germline): Likely benign (1 of 4 stars; one submission).

Conditions:
MTO1-related disorder. Also called: MTO1-related condition.

Submission:

PreventionGenetics, part of Exact Sciences
Classification: Likely benign for MTO1-related condition. Last evaluated: 2025-11-26. Review status: criteria provided, single submitter. Criteria: ACMG Guidelines, 2015. Collection method: clinical testing. Allele origin: germline.
Comment: This variant is classified as likely benign based on ACMG/AMP sequence variant interpretation guidelines (Richards et al. 2015 PMID: 25741868, with internal and published modifications).